The following is an entry in ClinVar:

ClinVar aggregate classification (germline): Uncertain significance. Review status: criteria provided, multiple submitters, no conflicts (2 of 4 stars). 2 submissions from 2 submitters: Uncertain significance (2). Last evaluated 2024-02-26.

Conditions:
Familial cancer of breast. Also called: Hereditary breast cancer; hereditary breast carcinoma; BREAST CANCER, FAMILIAL. Identifiers: Orphanet 227535, MedGen C0346153, MONDO:0016419, OMIM 114480. Disease mechanism: loss of function.

Submissions (2):

Labcorp Genetics (formerly Invitae), Labcorp
Classification: Uncertain significance for Familial cancer of breast. Last evaluated: 2024-02-26. Review status: criteria provided, single submitter. Criteria: Invitae Variant Classification Sherloc (09022015). Collection method: clinical testing. Allele origin: germline.
Comment: This sequence change replaces glycine, which is neutral and non-polar, with arginine, which is basic and polar, at codon 110 of the PALB2 protein (p.Gly110Arg). This variant is not present in population databases (gnomAD no frequency). This variant has not been reported in the literature in individuals affected with PALB2-related conditions. ClinVar contains an entry for this variant (Variation ID: 1318634). Algorithms developed to predict the effect of missense changes on protein structure and function output the following: SIFT: "Not Available"; PolyPhen-2: "Benign"; Align-GVGD: "Not Available". The arginine amino acid residue is found in multiple mammalian species, which suggests that this missense change does not adversely affect protein function. In summary, the available evidence is currently insufficient to determine the role of this variant in disease. Therefore, it has been classified as a Variant of Uncertain Significance.

GeneDx
Classification: Uncertain significance. Last evaluated: 2021-03-31. Review status: criteria provided, single submitter. Criteria: GeneDx Variant Classification Process June 2021. Collection method: clinical testing. Allele origin: germline. Affected: yes.
Comment: Not observed in large population cohorts (Lek 2016); In silico analysis supports that this missense variant does not alter protein structure/function; Has not been previously published as pathogenic or benign to our knowledge; In-silico analysis, which includes splice predictors and evolutionary conservation, is inconclusive as to whether the variant alters gene splicing. In the absence of RNA/functional studies, the actual effect of this sequence change is unknown.

NM_024675.4(PALB2):c.328G>A (p.Gly110Arg)

Gene: PALB2 (partner and localizer of BRCA2; minus strand). Cytogenetic location: 16p12.2.
Variant type: single nucleotide variant.
Coding change: c.328G>A on transcript NM_024675.4 (MANE Select); coding-DNA position 328, G replaced by A.
Protein change: p.Gly110Arg; replaces glycine 110 with arginine.
Molecular consequence: missense variant.
Genome position (GRCh38, 1-based): chr16:23,636,218, C>T on the plus strand (G>A on the coding strand, the complement: PALB2 is on the minus strand). VCF-style: chr16-23636218-C-T. GRCh37 (hg19) VCF-style: chr16-23647539-C-T.
Other names: short protein forms G110R.
Identifiers: ClinVar variation 1318634 (VCV001318634.6), dbSNP rs2142445918, ClinGen allele CA395137826.